The following is an entry in ClinVar:

NM_000217.3(KCNA1):c.*4663G>A

Gene: KCNA1 (potassium voltage-gated channel subfamily A member 1; plus strand). Cytogenetic location: 12p13.32.
Variant type: single nucleotide variant.
Coding change: c.*4663G>A on transcript NM_000217.3 (MANE Select); 4663 bases downstream of the stop codon, G replaced by A.
Molecular consequence: 3 prime UTR variant.
Genome position (GRCh38, 1-based): chr12:4,917,529, G>A. VCF-style: chr12-4917529-G-A. GRCh37 (hg19) VCF-style: chr12-5026695-G-A.
Identifiers: ClinVar variation 309215 (VCV000309215.6), dbSNP rs186319441, ClinGen allele CA10641606.

ClinVar aggregate classification (germline): Benign (1 of 4 stars; one submission).

Conditions:
Episodic ataxia type 1 (EA1). Also called: ATAXIA, EPISODIC, WITH MYOKYMIA; MYOKYMIA WITH PERIODIC ATAXIA; PAROXYSMAL ATAXIA WITH NEUROMYOTONIA, HEREDITARY; Episodic ataxia/myokymia syndrome. Identifiers: Orphanet 37612, Orphanet 972, MedGen C1719788, MONDO:0008047, OMIM 160120.

Allele frequency attached by ClinVar (database versions not stated): gnomAD exomes 0.00014; gnomAD 0.00022 and 0.00084; TOPMed 0.00037; 1000 Genomes Project 30x 0.00562; 1000 Genomes Project 0.00579.
gnomAD v4.1: 129 of 167,174 alleles (0.077%); highest among the groups gnomAD compares: South Asian, 1.8%; 3 homozygotes.

Submission:

Illumina Laboratory Services, Illumina
Classification: Benign for Episodic ataxia type 1. Last evaluated: 2018-01-13. Review status: criteria provided, single submitter. Criteria: ICSL Variant Classification Criteria 13 December 2019. Collection method: clinical testing. Allele origin: germline.
Comment: This variant was observed in the ICSL laboratory as part of a predisposition screen in an ostensibly healthy population. It had not been previously curated by ICSL or reported in the Human Gene Mutation Database (HGMD: prior to June 1st, 2018), and was therefore a candidate for classification through an automated scoring system. Utilizing variant allele frequency, disease prevalence and penetrance estimates, and inheritance mode, an automated score was calculated to assess if this variant is too frequent to cause the disease. Based on the score and internal cut-off values, a variant classified as benign is not then subjected to further curation. The score for this variant resulted in a classification of benign for this disease.